The following is an entry in ClinVar:

ClinVar aggregate classification (germline): Uncertain significance (1 of 4 stars; one submission).

gnomAD v4.1: 2 of 1,610,652 alleles (0.00012%); highest among the groups gnomAD compares: Non-Finnish European, 0.00017%; no homozygotes.

Submission:

Athena Diagnostics
Classification: Uncertain significance. Last evaluated: 2025-06-20. Review status: criteria provided, single submitter. Criteria: Athena Diagnostics Criteria. Collection method: clinical testing. Allele origin: unknown.
Comment: Available data are insufficient to determine the clinical significance of the variant at this time. The frequency of this variant in the general population is uninformative in assessment of its pathogenicity. Polyphen and MutationTaster yielded discordant predictions regarding whether this amino acid change is damaging to the protein.

NM_014363.6(SACS):c.2996T>A (p.Ile999Asn)

Gene: SACS (sacsin molecular chaperone; minus strand). Cytogenetic location: 13q12.12.
Variant type: single nucleotide variant.
Coding change: c.2996T>A on transcript NM_014363.6 (MANE Select); coding-DNA position 2996, T replaced by A.
Protein change: p.Ile999Asn; replaces isoleucine 999 with asparagine.
Molecular consequence: missense variant.
Genome position (GRCh38, 1-based): chr13:23,340,880, A>T on the plus strand (T>A on the coding strand, the complement: SACS is on the minus strand). VCF-style: chr13-23340880-A-T. GRCh37 (hg19) VCF-style: chr13-23915019-A-T.
Other names: c.2555T>A, p.Ile852Asn (NM_001278055.2); c.3023T>A, p.Ile1008Asn (NM_001437336.1); short protein forms I1008N, I852N, I999N.
Identifiers: ClinVar variation 4682275 (VCV004682275.1).
Genomic context (GRCh38, chr13:23,340,880, plus strand): 5'-TTCTCAAGGACCCATAACATAAGCTGTGTTACCTCTTCATGTGAATAAAATGCATTTTCA[A>T]TATCTTTTAAAACAAGCTTTAAGCAGCTAGTGGTCTTTAACTGTTCTATTTTCAACATGT-3'
Protein context (NP_055178.3, residues 989-1009): TSCLKLVLKD[Ile999Asn]ENAFYSHEEV